The following is an entry in ClinVar:

NM_001165963.4(SCN1A):c.55A>G (p.Arg19Gly)

Gene: SCN1A (sodium voltage-gated channel alpha subunit 1; minus strand). Cytogenetic location: 2q24.3.
Variant type: single nucleotide variant.
Coding change: c.55A>G on transcript NM_001165963.4 (MANE Select); coding-DNA position 55, A replaced by G.
Protein change: p.Arg19Gly; replaces arginine 19 with glycine.
Molecular consequence: missense variant. On other transcripts: 5 prime UTR variant (1), non-coding transcript variant (1).
Genome position (GRCh38, 1-based): chr2:166,073,567, T>C on the plus strand (A>G on the coding strand, the complement: SCN1A is on the minus strand). VCF-style: chr2-166073567-T-C. GRCh37 (hg19) VCF-style: chr2-166930077-T-C.
Other names: p.R19G:AGA>GGA; c.55A>G, p.Arg19Gly (NM_001165964.3, NM_001202435.3, NM_001353948.2 and 10 more transcripts); c.-2371A>G (NM_001353961.2); short protein forms R19G.
Identifiers: ClinVar variation 206940 (VCV000206940.2), dbSNP rs796053096, ClinGen allele CA317796.

ClinVar aggregate classification (germline): Uncertain significance (1 of 4 stars; one submission).

Allele frequency attached by ClinVar (database versions not stated): gnomAD exomes below 0.00001.

Submission:

GeneDx
Classification: Uncertain significance. Last evaluated: 2014-11-14. Review status: criteria provided, single submitter. Criteria: GeneDx Variant Classification (06012015). Collection method: clinical testing. Allele origin: germline. Affected: yes.
Comment: p.Arg19Gly (AGA>GGA): c.55 A>G in exon 1 of the SCN1A gene (NM_001165963.1) A variant of unknown significance has been identified in the SCN1A gene. The R19G variant has not been published as a mutation, nor has it been reported as a benign polymorphism to our knowledge. It was not observed in approximately 6,500 individuals of European and African American ancestry in the NHLBI Exome Sequencing Project, indicating it is not a common benign variant in these populations. The R19G variant is a non-conservative amino acid substitution, which is likely to impact secondary protein structure as these residues differ in polarity, charge, size and/or other properties. This substitution occurs at a position that is conserved in mammals. However, in silico analysis is inconsistent in its predictions as to whether or not the R19G variant is damaging to the protein structure/function, and other missense mutations in nearby residues have not been reported. Therefore, based on the currently available information, it is unclear whether this variant is a pathogenic mutation or a rare benign variant. The variant is found in INFANT-EPI panel(s).